The following is an entry in ClinVar:

NM_001276345.2(TNNT2):c.281dup (p.Val95fs)

Gene: TNNT2 (troponin T2, cardiac type; minus strand). Cytogenetic location: 1q32.1.
Variant type: Duplication.
Coding change: c.281dup on transcript NM_001276345.2 (MANE Select); coding-DNA position 281, one base duplicated (G; older notation c.281dupG).
Protein change: p.Val95fs; shifts the reading frame from valine 95.
Molecular consequence: frameshift variant.
Genome position (GRCh38, 1-based): chr1:201,365,623, C duplicated on the plus strand (G on the coding strand, the reverse complement: TNNT2 is on the minus strand). VCF-style (leftmost placement, unchanged base first): chr1-201365622-T-TC. GRCh37 (hg19) VCF-style: chr1-201334750-T-TC.
Other names: c.281dup, p.Val95fs (NM_000364.4); c.251dup, p.Val85fs (NM_001001430.3, NM_001001431.3, NM_001276347.2); c.236dup, p.Val80fs (NM_001001432.3); c.278dup, p.Val94fs (NM_001276346.2); c.251dupG, p.Val85Serfs (NM_001001430.1); short protein forms V80fs, V95fs, V85fs, V94fs.
Identifiers: ClinVar variation 419127 (VCV000419127.13), dbSNP rs780087395, ClinGen allele CA1324760.

ClinVar aggregate classification (germline): Uncertain significance. Review status: criteria provided, multiple submitters, no conflicts (2 of 4 stars). 7 submissions from 5 submitters: Uncertain significance (7). Last evaluated 2026-01-12.

Conditions:
Cardiovascular phenotype. Identifiers: MedGen CN230736.
Hypertrophic cardiomyopathy 2. Also called: TNNT2-Related Familial Hypertrophic Cardiomyopathy. Identifiers: MedGen C1861864, MONDO:0007266, OMIM 115195.
Dilated cardiomyopathy 1D. Identifiers: Orphanet 154, Orphanet 54260, MedGen C1832243, MONDO:0011095, OMIM 601494.
Cardiomyopathy, familial restrictive, 3. Identifiers: Orphanet 75249, MedGen C2676271, MONDO:0012900, OMIM 612422.
Cardiomyopathy (CMYO). Also called: Cardiomyopathies. Identifiers: Orphanet 167848, MedGen C0878544, MONDO:0004994, HP:0001638. Inheritance: Various modes of inheritance.

Allele frequency attached by ClinVar (database versions not stated): ExAC 0.00002; gnomAD exomes below 0.00001; gnomAD 0.00001; TOPMed 0.00001; ESP Exome Variant Server 0.00008.

Submissions (7):

Ambry Genetics
Classification: Uncertain significance for Cardiovascular phenotype. Last evaluated: 2026-01-12. Review status: criteria provided, single submitter. Criteria: Ambry Variant Classification Scheme 2023. Collection method: clinical testing. Allele origin: germline.
Comment: The c.251dupG variant, located in coding exon 7 of the TNNT2 gene, results from a duplication of G at nucleotide position 251, causing a translational frameshift with a predicted alternate stop codon (p.V85Sfs*4). This alteration is expected to result in loss of function by premature protein truncation or nonsense-mediated mRNA decay. However, loss of function has not been established as a mechanism of disease. Based on the available evidence, the clinical significance of this alteration remains unclear.

Labcorp Genetics (formerly Invitae), Labcorp
Classification: Uncertain significance for Cardiomyopathy, familial restrictive, 3; Hypertrophic cardiomyopathy 2; Dilated cardiomyopathy 1D. Last evaluated: 2024-12-30. Review status: criteria provided, single submitter. Criteria: Invitae Variant Classification Sherloc (09022015). Collection method: clinical testing. Allele origin: germline.
Comment: This sequence change creates a premature translational stop signal (p.Val85Serfs*4) in the TNNT2 gene. It is expected to result in an absent or disrupted protein product. However, the current clinical and genetic evidence is not sufficient to establish whether loss-of-function variants in TNNT2 cause disease. This variant is present in population databases (rs780087395, gnomAD 0.0009%). This premature translational stop signal has been observed in individual(s) with clinical features of TNNT2-related conditions (internal data). ClinVar contains an entry for this variant (Variation ID: 419127). In summary, the available evidence is currently insufficient to determine the role of this variant in disease. Therefore, it has been classified as a Variant of Uncertain Significance.

Genome-Nilou Lab
Classification: Uncertain significance for Dilated cardiomyopathy 1D. Last evaluated: 2023-04-11. Review status: criteria provided, single submitter. Criteria: ACMG Guidelines, 2015. Collection method: clinical testing. Allele origin: germline. Affected: no.

Genome-Nilou Lab
Classification: Uncertain significance for Cardiomyopathy, familial restrictive, 3. Last evaluated: 2023-04-11. Review status: criteria provided, single submitter. Criteria: ACMG Guidelines, 2015. Collection method: clinical testing. Allele origin: germline. Affected: no.

Genome-Nilou Lab
Classification: Uncertain significance for Hypertrophic cardiomyopathy 2. Last evaluated: 2023-04-11. Review status: criteria provided, single submitter. Criteria: ACMG Guidelines, 2015. Collection method: clinical testing. Allele origin: germline. Affected: no.

Color Diagnostics, LLC DBA Color Health
Classification: Uncertain significance for Cardiomyopathy. Last evaluated: 2022-11-21. Review status: criteria provided, single submitter. Criteria: ACMG Guidelines, 2015. Collection method: clinical testing. Allele origin: germline.
Comment: This variant inserts 1 nucleotide in exon 8 of the TNNT2 gene, creating a frameshift and premature translation stop signal. This variant is expected to result in an absent or non-functional protein product. To our knowledge, this variant has not been reported in individuals affected with TNNT2-related disorders in the literature. This variant has been identified in 1/251054 chromosomes in the general population by the Genome Aggregation Database (gnomAD). Clinical relevance of loss-of-function truncation and splice variants in the TNNT2 gene is not clearly established. The available evidence is insufficient to determine the role of this variant in disease conclusively. Therefore, this variant is classified as a Variant of Uncertain Significance.

GeneDx
Classification: Uncertain significance. Last evaluated: 2020-12-18. Review status: criteria provided, single submitter. Criteria: GeneDx Variant Classification Process June 2021. Collection method: clinical testing. Allele origin: germline. Affected: yes.
Comment: Not observed at a significant frequency in large population cohorts (Lek et al., 2016); Frameshift variant predicted to result in protein truncation or nonsense mediated decay in a gene for which loss-of-function is not a known mechanism of disease; Has not been previously published as pathogenic or benign to our knowledge